The following is an entry in ClinVar:

NM_000094.4(COL7A1):c.1356T>C (p.Thr452=)

Gene: COL7A1 (collagen type VII alpha 1 chain; minus strand). Cytogenetic location: 3p21.31.
Variant type: single nucleotide variant.
Coding change: c.1356T>C on transcript NM_000094.4 (MANE Select); coding-DNA position 1356, T replaced by C.
Protein change: p.Thr452=; no amino-acid change (threonine 452 retained).
Molecular consequence: synonymous variant.
Genome position (GRCh38, 1-based): chr3:48,591,899, A>G on the plus strand (T>C on the coding strand, the complement: COL7A1 is on the minus strand). VCF-style: chr3-48591899-A-G. GRCh37 (hg19) VCF-style: chr3-48629332-A-G.
Identifiers: ClinVar variation 4690465 (VCV004690465.1).
Genomic context (GRCh38, chr3:48,591,899, plus strand): 5'-TCAGACCAGCAGAGGCCATGCCCTGACCCTTGCCTGTCCATCCCTTCCCCCGCACTGACC[A>G]GTCTCACGCCGCCATTCCAACCGGTAGCCACGGGCCTCAGGCACCAAGTTCCAGGAAAGG-3'
Protein context (NP_000085.1, residues 442-462): RGYRLEWRRE[Thr452=]GLEPPQKVVL

ClinVar aggregate classification (germline): Uncertain significance (1 of 4 stars; one submission).

gnomAD v4.1: 1 of 1,614,184 alleles (0.000062%); no homozygotes.

Submission:

Labcorp Genetics (formerly Invitae), Labcorp
Classification: Uncertain significance. Last evaluated: 2025-09-22. Review status: criteria provided, single submitter. Criteria: Invitae Variant Classification Sherloc (09022015). Collection method: clinical testing. Allele origin: germline.
Comment: This sequence change affects codon 452 of the COL7A1 mRNA. It is a 'silent' change, meaning that it does not change the encoded amino acid sequence of the COL7A1 protein. It affects a nucleotide within the consensus splice site. This variant is not present in population databases (gnomAD no frequency). This variant has not been reported in the literature in individuals affected with COL7A1-related conditions. Algorithms developed to predict the effect of sequence changes on RNA splicing suggest that this variant is not likely to affect RNA splicing. In summary, the available evidence is currently insufficient to determine the role of this variant in disease. Therefore, it has been classified as a Variant of Uncertain Significance.